The following is an entry in ClinVar:

NM_021975.4(RELA):c.448G>A (p.Gly150Arg)

Gene: RELA (RELA proto-oncogene, NF-kB subunit; minus strand). Cytogenetic location: 11q13.1.
Variant type: single nucleotide variant.
Coding change: c.448G>A on transcript NM_021975.4 (MANE Select); coding-DNA position 448, G replaced by A.
Protein change: p.Gly150Arg; replaces glycine 150 with arginine.
Molecular consequence: missense variant.
Genome position (GRCh38, 1-based): chr11:65,659,777, C>T on the plus strand (G>A on the coding strand, the complement: RELA is on the minus strand). VCF-style: chr11-65659777-C-T. GRCh37 (hg19) VCF-style: chr11-65427248-C-T.
Other names: c.439G>A, p.Gly147Arg (NM_001145138.2); c.448G>A, p.Gly150Arg (NM_001243984.2, NM_001243985.2, NM_001404659.1 and 1 more transcripts); c.481G>A, p.Gly161Arg (NM_001404657.1); c.421G>A, p.Gly141Arg (NM_001404658.1); c.67G>A, p.Gly23Arg (NM_001404661.1); c.355G>A, p.Gly119Arg (NM_001404662.1, NM_001404663.1); short protein forms G147R, G23R, G119R, G141R, G150R, G161R.
Identifiers: ClinVar variation 1921309 (VCV001921309.5), dbSNP rs2496854987, ClinGen allele CA381393167.
Genomic context (GRCh38, chr11:65,659,777, plus strand): 5'-CTGATGGGTCCCGCACTGTCACCTGGAAGCAGAGCCGCACAGCATTCAGGTCGTAGTCCC[C>T]ACGCTGCTCTTCTATAGGAACTGCCAAGAAAACAGGCGATCAGGAGAGCAGGGGAAGTGG-3'
Protein context (NP_068810.3, residues 140-160): PFQVPIEEQR[Gly150Arg]DYDLNAVRLC

ClinVar aggregate classification (germline): Uncertain significance (1 of 4 stars; one submission).

Allele frequency attached by ClinVar (database versions not stated): gnomAD exomes below 0.00001.
gnomAD v4.1: 4 of 1,613,144 alleles (0.00025%); highest among the groups gnomAD compares: Non-Finnish European, 0.00025%; no homozygotes.

Submission:

Labcorp Genetics (formerly Invitae), Labcorp
Classification: Uncertain significance. Last evaluated: 2023-08-10. Review status: criteria provided, single submitter. Criteria: Invitae Variant Classification Sherloc (09022015). Collection method: clinical testing. Allele origin: germline.
Comment: ClinVar contains an entry for this variant (Variation ID: 1921309). In summary, the available evidence is currently insufficient to determine the role of this variant in disease. Therefore, it has been classified as a Variant of Uncertain Significance. An algorithm developed to predict the effect of missense changes on protein structure and function (PolyPhen-2) suggests that this variant is likely to be disruptive. This variant has not been reported in the literature in individuals affected with RELA-related conditions. This variant is not present in population databases (gnomAD no frequency). This sequence change replaces glycine, which is neutral and non-polar, with arginine, which is basic and polar, at codon 150 of the RELA protein (p.Gly150Arg).